The following is an entry in ClinVar:

NM_020320.5(RARS2):c.1511+4T>G

Gene: RARS2 (arginyl-tRNA synthetase 2, mitochondrial; minus strand). Cytogenetic location: 6q15.
Variant type: single nucleotide variant.
Coding change: c.1511+4T>G on transcript NM_020320.5 (MANE Select); 4 bases into the intron after coding-DNA position 1511, T replaced by G.
Molecular consequence: intron variant.
Genome position (GRCh38, 1-based): chr6:87,518,165, A>C on the plus strand (T>G on the coding strand, the complement: RARS2 is on the minus strand). VCF-style: chr6-87518165-A-C. GRCh37 (hg19) VCF-style: chr6-88227883-A-C.
Other names: c.1511+4T>G (NM_001350505.2); c.986+4T>G (NM_001350509.2, NM_001318785.2, NM_001350506.2 and 4 more transcripts).
Identifiers: ClinVar variation 2081701 (VCV002081701.4), dbSNP rs747679710, ClinGen allele CA3916258.

ClinVar aggregate classification (germline): Uncertain significance. Review status: criteria provided, multiple submitters, no conflicts (2 of 4 stars). 3 submissions from 3 submitters: Uncertain significance (3). Last evaluated 2025-01-19.

Conditions:
Inborn genetic diseases. Identifiers: MedGen C0950123, MeSH D030342.

Allele frequency attached by ClinVar (database versions not stated): gnomAD 0.00003; TOPMed 0.00003; gnomAD exomes 0.00004; ExAC 0.00006.
gnomAD v4.1: 65 of 1,614,074 alleles (0.004%); highest among the groups gnomAD compares: Non-Finnish European, 0.0053%; no homozygotes.

Submissions (3):

Women's Health and Genetics/Laboratory Corporation of America, LabCorp
Classification: Uncertain significance. Last evaluated: 2025-01-19. Review status: criteria provided, single submitter. Criteria: LabCorp Variant Classification Summary - May 2015. Collection method: clinical testing. Allele origin: germline.

Labcorp Genetics (formerly Invitae), Labcorp
Classification: Uncertain significance. Last evaluated: 2022-04-06. Review status: criteria provided, single submitter. Criteria: Invitae Variant Classification Sherloc (09022015). Collection method: clinical testing. Allele origin: germline.
Comment: This sequence change falls in intron 17 of the RARS2 gene. It does not directly change the encoded amino acid sequence of the RARS2 protein. It affects a nucleotide within the consensus splice site. This variant is present in population databases (rs747679710, gnomAD 0.01%). This variant has not been reported in the literature in individuals affected with RARS2-related conditions. Variants that disrupt the consensus splice site are a relatively common cause of aberrant splicing (PMID: 17576681, 9536098). Algorithms developed to predict the effect of sequence changes on RNA splicing suggest that this variant may disrupt the consensus splice site. In summary, the available evidence is currently insufficient to determine the role of this variant in disease. Therefore, it has been classified as a Variant of Uncertain Significance.

Ambry Genetics
Classification: Uncertain significance for Inborn genetic diseases. Last evaluated: 2022-02-11. Review status: criteria provided, single submitter. Criteria: Ambry Variant Classification Scheme 2023. Collection method: clinical testing. Allele origin: germline.
Comment: The c.1511+4T>G intronic alteration consists of a T to G substitution 4 nucleotides after exon 17 of the RARS2 gene. Based on insufficient or conflicting evidence, the clinical significance of this alteration remains unclear.

Literature cited by the submitters: PubMed 17576681 (cited by Labcorp Genetics (formerly Invitae), Labcorp); PubMed 9536098 (cited by Labcorp Genetics (formerly Invitae), Labcorp).